The following is an entry in ClinVar:

NM_032119.4(ADGRV1):c.6326T>C (p.Ile2109Thr)

Gene: ADGRV1 (adhesion G protein-coupled receptor V1; plus strand). Cytogenetic location: 5q14.3.
Variant type: single nucleotide variant.
Coding change: c.6326T>C on transcript NM_032119.4 (MANE Select); coding-DNA position 6326, T replaced by C.
Protein change: p.Ile2109Thr; replaces isoleucine 2109 with threonine.
Molecular consequence: missense variant. On other transcripts: non-coding transcript variant (1).
Genome position (GRCh38, 1-based): chr5:90,685,831, T>C. VCF-style: chr5-90685831-T-C. GRCh37 (hg19) VCF-style: chr5-89981648-T-C.
Other names: short protein forms I2109T.
Identifiers: ClinVar variation 860521 (VCV000860521.13), dbSNP rs369891542, ClinGen allele CA3339757.

ClinVar aggregate classification (germline): Conflicting classifications of pathogenicity. Review status: criteria provided, conflicting classifications (1 of 4 stars). 6 submissions from 6 submitters: Uncertain significance (4); Benign (1); Likely benign (1). Last evaluated 2025-11-08.

Conditions:
ADGRV1-related disorder. Also called: ADGRV1-related condition; ADGRV1-related disorders.
Inborn genetic diseases. Identifiers: MedGen C0950123, MeSH D030342.

Allele frequency attached by ClinVar (database versions not stated): gnomAD exomes 0.00003 and 0.00008; ExAC 0.00011; gnomAD 0.00032 and 0.00034; TOPMed 0.00036; ESP Exome Variant Server 0.00041.
gnomAD v4.1: 84 of 1,612,066 alleles (0.0052%); highest among the groups gnomAD compares: African/African-American, 0.11%; no homozygotes.

Submissions (6):

Labcorp Genetics (formerly Invitae), Labcorp
Classification: Benign. Last evaluated: 2025-11-08. Review status: criteria provided, single submitter. Criteria: Invitae Variant Classification Sherloc (09022015). Collection method: clinical testing. Allele origin: germline.

PreventionGenetics, part of Exact Sciences
Classification: Uncertain significance for ADGRV1-related condition. Last evaluated: 2025-09-20. Review status: criteria provided, single submitter. Criteria: ACMG Guidelines, 2015. Collection method: clinical testing. Allele origin: germline.
Comment: The ADGRV1 c.6326T>C variant is predicted to result in the amino acid substitution p.Ile2109Thr. To our knowledge, this variant has not been reported in the literature. This variant is reported in 0.095% of alleles in individuals of African descent in gnomAD. Although we suspect this variant may be benign, at this time, the clinical significance of this variant is uncertain due to the absence of conclusive functional and genetic evidence.

Ambry Genetics
Classification: Uncertain significance for Inborn genetic diseases. Last evaluated: 2024-11-13. Review status: criteria provided, single submitter. Criteria: Ambry Variant Classification Scheme 2023. Collection method: clinical testing. Allele origin: germline.

GeneDx
Classification: Uncertain significance. Last evaluated: 2023-01-04. Review status: criteria provided, single submitter. Criteria: GeneDx Variant Classification Process June 2021. Collection method: clinical testing. Allele origin: germline. Affected: yes.
Comment: In silico analysis supports that this missense variant does not alter protein structure/function; Has not been previously published as pathogenic or benign to our knowledge

Blueprint Genetics
Classification: Likely benign. Last evaluated: 2022-09-28. Review status: criteria provided, single submitter. Criteria: ACMG Guidelines, 2015. Collection method: clinical testing. Allele origin: germline.

Breakthrough Genomics
Classification: Uncertain significance. Review status: criteria provided, single submitter. Criteria: ACMG Guidelines, 2015. Collection method: not provided. Allele origin: germline. Inheritance: Autosomal recessive inheritance. Affected: yes.